The following is an entry in ClinVar:

ClinVar aggregate classification (germline): Uncertain significance (1 of 4 stars; one submission).

Allele frequency attached by ClinVar (database versions not stated): gnomAD exomes below 0.00001; TOPMed below 0.00001; gnomAD 0.00001.
gnomAD v4.1: 5 of 1,607,698 alleles (0.00031%); highest among the groups gnomAD compares: East Asian, 0.0022%; no homozygotes.

Submission:

GeneDx
Classification: Uncertain significance. Last evaluated: 2022-12-29. Review status: criteria provided, single submitter. Criteria: GeneDx Variant Classification Process June 2021. Collection method: clinical testing. Allele origin: germline. Affected: yes.
Comment: Not observed at significant frequency in large population cohorts (gnomAD); In silico analysis supports that this missense variant has a deleterious effect on protein structure/function; Has not been previously published as pathogenic or benign to our knowledge

NM_020706.2(SCAF4):c.2705C>T (p.Pro902Leu)

Gene: SCAF4 (SR-related CTD associated factor 4; minus strand). Cytogenetic location: 21q22.11.
Variant type: single nucleotide variant.
Coding change: c.2705C>T on transcript NM_020706.2 (MANE Select); coding-DNA position 2705, C replaced by T.
Protein change: p.Pro902Leu; replaces proline 902 with leucine.
Molecular consequence: missense variant.
Genome position (GRCh38, 1-based): chr21:31,672,138, G>A on the plus strand (C>T on the coding strand, the complement: SCAF4 is on the minus strand). VCF-style: chr21-31672138-G-A. GRCh37 (hg19) VCF-style: chr21-33044451-G-A.
Other names: c.2660C>T, p.Pro887Leu (NM_001145444.1); c.2639C>T, p.Pro880Leu (NM_001145445.1); short protein forms P880L, P887L, P902L.
Identifiers: ClinVar variation 2507305 (VCV002507305.1), dbSNP rs2049721623, ClinGen allele CA410041154.
Genomic context (GRCh38, chr21:31,672,138, plus strand): 5'-GGCATTCCACCAGGCCTAACAAAGGGGCCATGCGGTGGGAAGGGACCTTTCATTCCATGA[G>A]GTGGAGGCATCGCAAAGCCCCCTGGTCCTGGCGGTGGGCCTCTGTGCATCATGTGCGGTG-3'
Protein context (NP_065757.1, residues 892-912): PGPGGFAMPP[Pro902Leu]HGMKGPFPPH